The following is an entry in ClinVar:

ClinVar aggregate classification (germline): Conflicting classifications of pathogenicity. Review status: criteria provided, conflicting classifications (1 of 4 stars). 2 submissions from 2 submitters: Likely pathogenic (1); Uncertain significance (1). Last evaluated 2025-11-04.

Conditions:
Hereditary cancer-predisposing syndrome. Also called: Neoplastic Syndromes, Hereditary; Hereditary Cancer Syndrome; Hereditary neoplastic syndrome; Tumor predisposition. Identifiers: Orphanet 140162, MedGen C0027672, MeSH D009386, MONDO:0015356.

Submissions (2):

Ambry Genetics
Classification: Likely pathogenic for Hereditary cancer-predisposing syndrome. Last evaluated: 2025-11-04. Review status: criteria provided, single submitter. Criteria: Ambry Variant Classification Scheme 2023. Collection method: clinical testing. Allele origin: germline.
Comment: The p.H391P variant (also known as c.1172A>C), located in coding exon 8 of the FH gene, results from an A to C substitution at nucleotide position 1172. The histidine at codon 391 is replaced by proline, an amino acid with similar properties. This variant was reported in individual(s) with features consistent with hereditary leiomyomatosis and renal cell cancer syndrome (Ambry internal data). Based on internal structural analysis, H391P is deleterious (Ambry internal data). This amino acid position is conserved. In addition, this alteration is predicted to be deleterious by in silico analysis. Based on the majority of available evidence to date, this variant is likely to be pathogenic.

Labcorp Genetics (formerly Invitae), Labcorp
Classification: Uncertain significance. Last evaluated: 2019-11-04. Review status: criteria provided, single submitter. Criteria: Invitae Variant Classification Sherloc (09022015). Collection method: clinical testing. Allele origin: germline.
Comment: This sequence change replaces histidine with proline at codon 391 of the FH protein (p.His391Pro). The histidine residue is highly conserved and there is a moderate physicochemical difference between histidine and proline. This variant is not present in population databases (ExAC no frequency). This variant has been observed in individual(s) with clinical features of hereditary leiomyomatosis and renal cell cancer (HLRCC) (Invitae). Algorithms developed to predict the effect of missense changes on protein structure and function are either unavailable or do not agree on the potential impact of this missense change (SIFT: "Deleterious"; PolyPhen-2: "Probably Damaging"; Align-GVGD: "Class C0"). In summary, the available evidence is currently insufficient to determine the role of this variant in disease. Therefore, it has been classified as a Variant of Uncertain Significance.

NM_000143.4(FH):c.1172A>C (p.His391Pro)

Gene: FH (fumarate hydratase; minus strand). Cytogenetic location: 1q43.
Variant type: single nucleotide variant.
Coding change: c.1172A>C on transcript NM_000143.4 (MANE Select); coding-DNA position 1172, A replaced by C.
Protein change: p.His391Pro; replaces histidine 391 with proline.
Molecular consequence: missense variant.
Genome position (GRCh38, 1-based): chr1:241,502,507, T>G on the plus strand (A>C on the coding strand, the complement: FH is on the minus strand). VCF-style: chr1-241502507-T-G. GRCh37 (hg19) VCF-style: chr1-241665807-T-G.
Other names: short protein forms H391P.
Identifiers: ClinVar variation 933880 (VCV000933880.11), dbSNP rs1659806824, ClinGen allele CA345437435.